The following is an entry in ClinVar:

ClinVar aggregate classification (germline): Uncertain significance (1 of 4 stars; one submission).

Conditions:
Pontocerebellar hypoplasia type 1A (PCH1A). Also called: PONTOCEREBELLAR HYPOPLASIA WITH ANTERIOR HORN CELL DISEASE; PONTOCEREBELLAR HYPOPLASIA WITH INFANTILE SPINAL MUSCULAR ATROPHY. Identifiers: Orphanet 2254, Orphanet 88616, MedGen C1843504, MONDO:0011866, OMIM 607596.

gnomAD v4.1: 1 of 1,613,658 alleles (0.000062%); highest among the groups gnomAD compares: East Asian, 0.0022%; no homozygotes.

Submission:

Myriad Genetics, Inc.
Classification: Uncertain significance for Pontocerebellar hypoplasia type 1A. Last evaluated: 2026-07-17. Review status: criteria provided, single submitter. Criteria: Myriad Autosomal Dominant, Autosomal Recessive and X-Linked Classification Criteria (2023). Collection method: clinical testing. Allele origin: unknown.
Comment: NM_003384.2(VRK1):c.800A>G(D267G) is a missense variant classified as a variant of uncertain significance in the context of pontocerebellar hypoplasia, VRK1-related. D267G has been observed in a case with relevant disease (PMID: 31178479). Relevant functional assessments of this variant are available in the literature (PMID: 38554151). D267G has not been observed in referenced population frequency databases. In summary, there is insufficient evidence to classify NM_003384.2(VRK1):c.800A>G(D267G) as pathogenic or benign. Please note: this variant was assessed in the context of healthy population screening.

Literature cited by the submitters: PubMed 31178479; PubMed 38554151.

NM_003384.3(VRK1):c.800A>G (p.Asp267Gly)

Gene: VRK1 (VRK serine/threonine kinase 1; plus strand). Cytogenetic location: 14q32.2.
Variant type: single nucleotide variant.
Coding change: c.800A>G on transcript NM_003384.3 (MANE Select); coding-DNA position 800, A replaced by G.
Protein change: p.Asp267Gly; replaces aspartic acid 267 with glycine.
Molecular consequence: missense variant.
Genome position (GRCh38, 1-based): chr14:96,856,220, A>G. VCF-style: chr14-96856220-A-G. GRCh37 (hg19) VCF-style: chr14-97322557-A-G.
Other names: c.800A>G, p.Asp267Gly (NM_001411051.1, NM_001411053.1); short protein forms D267G.
Identifiers: ClinVar variation 5003739 (VCV005003739.1).